The following is an entry in ClinVar:

ClinVar aggregate classification (germline): Uncertain significance. Review status: criteria provided, multiple submitters, no conflicts (2 of 4 stars). 3 submissions from 3 submitters: Uncertain significance (3). Last evaluated 2026-02-25.

Conditions:
FLNC-related disorder. Also called: FLNC-related disorders; FLNC-related condition.
Myofibrillar myopathy 5. Also called: FILAMINOPATHY, AUTOSOMAL DOMINANT; Filaminopathy (type). Identifiers: Orphanet 171445, MedGen C1836050, MONDO:0012289, OMIM 609524.
Hypertrophic cardiomyopathy 26. Also called: Cardiomyopathy, familial hypertrophic, 26. Identifiers: Orphanet 75249, MedGen C4310749, MONDO:0014883, OMIM 617047.
Distal myopathy with posterior leg and anterior hand involvement. Also called: WILLIAMS DISTAL MYOPATHY. Identifiers: Orphanet 63273, MedGen C3279722, MONDO:0013550, OMIM 614065.
Cardiovascular phenotype. Identifiers: MedGen CN230736.

Allele frequency attached by ClinVar (database versions not stated): gnomAD 0.00001; TOPMed 0.00001; gnomAD exomes 0.00002 and 0.00003; ExAC 0.00004; ESP Exome Variant Server 0.00016.

Submissions (3):

PreventionGenetics, part of Exact Sciences
Classification: Uncertain significance for FLNC-related condition. Last evaluated: 2026-02-25. Review status: criteria provided, single submitter. Criteria: ACMG Guidelines, 2015. Collection method: clinical testing. Allele origin: germline.
Comment: The FLNC c.3085A>G variant is predicted to result in the amino acid substitution p.Met1029Val. To our knowledge, this variant has not been reported in the literature. This variant is reported in 0.0047% of alleles in individuals of European (Non-Finnish) descent in gnomAD. At this time, the clinical significance of this variant is uncertain due to the absence of conclusive functional and genetic evidence.

Labcorp Genetics (formerly Invitae), Labcorp
Classification: Uncertain significance for Distal myopathy with posterior leg and anterior hand involvement; Myofibrillar myopathy 5; Hypertrophic cardiomyopathy 26. Last evaluated: 2025-10-23. Review status: criteria provided, single submitter. Criteria: Invitae Variant Classification Sherloc (09022015). Collection method: clinical testing. Allele origin: germline.
Comment: This sequence change replaces methionine, which is neutral and non-polar, with valine, which is neutral and non-polar, at codon 1029 of the FLNC protein (p.Met1029Val). This variant is present in population databases (rs369078760, gnomAD 0.004%). This variant has not been reported in the literature in individuals affected with FLNC-related conditions. ClinVar contains an entry for this variant (Variation ID: 472031). Invitae Evidence Modeling of protein sequence and biophysical properties (such as structural, functional, and spatial information, amino acid conservation, physicochemical variation, residue mobility, and thermodynamic stability) has been performed for this missense variant. However, the output from this modeling did not meet the statistical confidence thresholds required to predict the impact of this variant on FLNC protein function. In summary, the available evidence is currently insufficient to determine the role of this variant in disease. Therefore, it has been classified as a Variant of Uncertain Significance.

Ambry Genetics
Classification: Uncertain significance for Cardiovascular phenotype. Last evaluated: 2024-05-05. Review status: criteria provided, single submitter. Criteria: Ambry Variant Classification Scheme 2023. Collection method: clinical testing. Allele origin: germline.
Comment: The p.M1029V variant (also known as c.3085A>G), located in coding exon 20 of the FLNC gene, results from an A to G substitution at nucleotide position 3085. The methionine at codon 1029 is replaced by valine, an amino acid with highly similar properties. This amino acid position is conserved. In addition, this alteration is predicted to be tolerated by in silico analysis. Based on the available evidence, the clinical significance of this variant remains unclear.

NM_001458.5(FLNC):c.3085A>G (p.Met1029Val)

Gene: FLNC (filamin C; plus strand). Cytogenetic location: 7q32.1.
Variant type: single nucleotide variant.
Coding change: c.3085A>G on transcript NM_001458.5 (MANE Select); coding-DNA position 3085, A replaced by G.
Protein change: p.Met1029Val; replaces methionine 1029 with valine.
Molecular consequence: missense variant.
Genome position (GRCh38, 1-based): chr7:128,844,159, A>G. VCF-style: chr7-128844159-A-G. GRCh37 (hg19) VCF-style: chr7-128484213-A-G.
Other names: c.3085A>G, p.Met1029Val (NM_001127487.2); short protein forms M1029V.
Identifiers: ClinVar variation 472031 (VCV000472031.10), dbSNP rs369078760, ClinGen allele CA4474948.